The following is an entry in ClinVar:

NM_000341.4(SLC3A1):c.569T>C (p.Met190Thr)

Gene: SLC3A1 (solute carrier family 3 member 1; plus strand). Cytogenetic location: 2p21.
Variant type: single nucleotide variant.
Coding change: c.569T>C on transcript NM_000341.4 (MANE Select); coding-DNA position 569, T replaced by C.
Protein change: p.Met190Thr; replaces methionine 190 with threonine.
Molecular consequence: missense variant.
Genome position (GRCh38, 1-based): chr2:44,280,854, T>C. VCF-style: chr2-44280854-T-C. GRCh37 (hg19) VCF-style: chr2-44507993-T-C.
Other names: short protein forms M190T.
Identifiers: ClinVar variation 1052978 (VCV001052978.7), dbSNP rs772817732, ClinGen allele CA1640168.

ClinVar aggregate classification (germline): Uncertain significance. Review status: criteria provided, multiple submitters, no conflicts (2 of 4 stars). 2 submissions from 2 submitters: Uncertain significance (2). Last evaluated 2022-03-03.

Conditions:
Cystinuria (CSNU). Also called: CYSTINURIA, TYPE I; CYSTINURIA, TYPE II; CYSTINURIA, TYPE III; Cystinuria, non-type I. Identifiers: Orphanet 214, MedGen C0010691, MONDO:0009067, OMIM 220100, HP:0003131.

Allele frequency attached by ClinVar (database versions not stated): gnomAD 0.00005; TOPMed 0.00006; ExAC 0.00007; gnomAD exomes 0.00008 and 0.00009.

Submissions (2):

Fulgent Genetics
Classification: Uncertain significance for Cystinuria. Last evaluated: 2022-03-03. Review status: criteria provided, single submitter. Criteria: ACMG Guidelines, 2015. Collection method: clinical testing. Allele origin: unknown.

Labcorp Genetics (formerly Invitae), Labcorp
Classification: Uncertain significance for Cystinuria. Last evaluated: 2021-08-26. Review status: criteria provided, single submitter. Criteria: Invitae Variant Classification Sherloc (09022015). Collection method: clinical testing. Allele origin: germline.
Comment: This sequence change replaces methionine with threonine at codon 190 of the SLC3A1 protein (p.Met190Thr). The methionine residue is moderately conserved and there is a moderate physicochemical difference between methionine and threonine. This variant is present in population databases (rs772817732, ExAC 0.03%). This missense change has been observed in individuals with cystinuria (PMID: 28646536). Algorithms developed to predict the effect of missense changes on protein structure and function are either unavailable or do not agree on the potential impact of this missense change (SIFT: "Deleterious"; PolyPhen-2: "Probably Damaging"; Align-GVGD: "Class C0"). In summary, the available evidence is currently insufficient to determine the role of this variant in disease. Therefore, it has been classified as a Variant of Uncertain Significance.

Literature cited by the submitters: PubMed 28646536 (cited by Labcorp Genetics (formerly Invitae), Labcorp).